The following is an entry in ClinVar:

NM_000163.5(GHR):c.206C>T (p.Thr69Ile)

Gene: GHR (growth hormone receptor; plus strand). Cytogenetic location: 5p12.
Variant type: single nucleotide variant.
Coding change: c.206C>T on transcript NM_000163.5 (MANE Select); coding-DNA position 206, C replaced by T.
Protein change: p.Thr69Ile; replaces threonine 69 with isoleucine.
Molecular consequence: missense variant.
Genome position (GRCh38, 1-based): chr5:42,688,959, C>T. VCF-style: chr5-42688959-C-T. GRCh37 (hg19) VCF-style: chr5-42689061-C-T.
Other names: c.227C>T, p.Thr76Ile (NM_001242399.2); c.206C>T, p.Thr69Ile (NM_001242400.2, NM_001242401.4, NM_001242402.2 and 5 more transcripts); c.140C>T, p.Thr47Ile (NM_001242460.2); short protein forms T69I, T47I, T76I.
Identifiers: ClinVar variation 353679 (VCV000353679.12), dbSNP rs75028043, ClinGen allele CA3254351.
Genomic context (GRCh38, chr5:42,688,959, plus strand): 5'-AGGAGCCTAAATTCACCAAGTGCCGTTCACCTGAGCGAGAGACTTTTTCATGCCACTGGA[C>T]AGATGAGGTTCATCATGGTACAAAGAACCTAGGACCCATACAGCTGTTCTATACCAGAAG-3'
Protein context (NP_000154.1, residues 59-79): PERETFSCHW[Thr69Ile]DEVHHGTKNL

ClinVar aggregate classification (germline): Conflicting classifications of pathogenicity. Review status: criteria provided, conflicting classifications (1 of 4 stars). 3 submissions from 3 submitters: Uncertain significance (1); Likely benign (2). Last evaluated 2025-11-01.

Conditions:
Laron-type isolated somatotropin defect. Also called: GROWTH HORMONE RECEPTOR DEFICIENCY; Laron Syndrome; Growth hormone binding protein deficiency or dysfunction; Growth hormone receptor deficiency or dysfunction; Laron dwarfism; Laron type pituitary dwarfism I. Identifiers: Orphanet 633, MedGen C0271568, MONDO:0009877, OMIM 262500.

Allele frequency attached by ClinVar (database versions not stated): gnomAD 0.00002 and 0.00009; TOPMed 0.00002; gnomAD exomes 0.00021 and 0.00030; ExAC 0.00030; 1000 Genomes Project 30x 0.00062; 1000 Genomes Project 0.00080.
gnomAD v4.1: 434 of 1,612,874 alleles (0.027%); highest among the groups gnomAD compares: East Asian, 0.96%; 5 homozygotes.

Submissions (3):

Labcorp Genetics (formerly Invitae), Labcorp
Classification: Likely benign. Last evaluated: 2025-11-01. Review status: criteria provided, single submitter. Criteria: Invitae Variant Classification Sherloc (09022015). Collection method: clinical testing. Allele origin: germline.

Women's Health and Genetics/Laboratory Corporation of America, LabCorp
Classification: Uncertain significance. Last evaluated: 2023-02-03. Review status: criteria provided, single submitter. Criteria: LabCorp Variant Classification Summary - May 2015. Collection method: clinical testing. Allele origin: germline.
Comment: Variant summary: GHR c.206C>T (p.Thr69Ile) results in a non-conservative amino acid change located in the Growth hormone/erythropoietin receptor, ligand binding (IPR015152) of the encoded protein sequence. Five of five in-silico tools predict a damaging effect of the variant on protein function. The variant allele was found at a frequency of 0.00021 in 251424 control chromosomes, predominantly at a frequency of 0.0028 within the East Asian subpopulation in the gnomAD database. This frequency is not significantly higher than expected for a pathogenic variant in GHR causing Growth Hormone Insensitivity (0.00021 vs 0.0035), allowing no conclusion about variant significance. c.206C>T has been reported in the literature in a heterozygous individual affected with Growth Hormone Insensitivity and was also found in their unaffected relatives (Sakurai_2002). This does not provide unequivocal conclusions about association of the variant with Growth Hormone Insensitivity. This publication also reports experimental evidence evaluating an impact on protein function, showing substantially reduced STAT5-mediated transcriptional activation using a construct containing the variant sequence in GHR-expressing CHO cells, as well as lower binding affinity of the variant protein to hGH. When combined with the wild-type construct the variant construct did not exert a dominant negative effect, consistent with the clinical report of the heterozygous carriers. Two submitters have provided clinical-significance assessments for this variant to ClinVar after 2014, and classified the variant as likely benign. Based on the evidence outlined above, the variant was classified as uncertain significance.

Illumina Laboratory Services, Illumina
Classification: Likely benign for Laron-type isolated somatotropin defect. Last evaluated: 2018-01-12. Review status: criteria provided, single submitter. Criteria: ICSL Variant Classification Criteria 13 December 2019. Collection method: clinical testing. Allele origin: germline.
Comment: This variant was observed in the ICSL laboratory as part of a predisposition screen in an ostensibly healthy population. It had not been previously curated by ICSL or reported in the Human Gene Mutation Database (HGMD: prior to June 1st, 2018), and was therefore a candidate for classification through an automated scoring system. Utilizing variant allele frequency, disease prevalence and penetrance estimates, and inheritance mode, an automated score was calculated to assess if this variant is too frequent to cause the disease. Based on the score and internal cut-off values, a variant classified as likely benign is not then subjected to further curation. The score for this variant resulted in a classification of likely benign for this disease.

Literature cited by the submitters: PubMed 12423626 (cited by Women's Health and Genetics/Laboratory Corporation of America, LabCorp).